The following is an entry in ClinVar:

NM_015443.4(KANSL1):c.3125del (p.Leu1042fs)

Gene: KANSL1 (KAT8 regulatory NSL complex subunit 1). Cytogenetic location: 17q21.31.
Variant type: Deletion.
Coding change: c.3125del on transcript NM_015443.4 (MANE Select); coding-DNA position 3125, one base deleted.
Protein change: p.Leu1042fs; shifts the reading frame from leucine 1042.
Molecular consequence: frameshift variant.
Genome position: GRCh38 VCF-style: chr17-46031668-CA-C. GRCh37 (hg19) VCF-style: chr17-44109034-CA-C.
Other names: c.3122del, p.Leu1041fs (NM_001193465.2); c.3125del, p.Leu1042fs (NM_001193466.2, NM_001379198.1); short protein forms L1041fs, L1042fs.
Identifiers: ClinVar variation 209164 (VCV000209164.2), dbSNP rs797045049, ClinGen allele CA276146.

ClinVar aggregate classification (germline): Likely pathogenic (1 of 4 stars; one submission).

Conditions:
Koolen-de Vries syndrome (KDVS). Identifiers: Orphanet 96169, MedGen C1864871, MONDO:0012496, OMIM 610443.

Submission:

Baylor Genetics
Classification: Likely pathogenic for Koolen-de Vries syndrome. Last evaluated: 2014-04-25. Review status: criteria provided, single submitter. Criteria: Yang et al. 2013. Collection method: clinical testing. Allele origin: de novo. Inheritance: Autosomal dominant inheritance. Affected: yes. Observed: 1 variant allele, 1 heterozygote. Study: Adult_WES.

Literature cited by the submitters: PubMed 26633545.